The following is an entry in ClinVar:

ClinVar aggregate classification (germline): Likely pathogenic (0 of 4 stars; one submission).

Conditions:
CLCN1-related disorder. Also called: CLCN1-related condition.

Submission:

PreventionGenetics, part of Exact Sciences
Classification: Likely pathogenic for CLCN1-related condition. Last evaluated: 2024-09-17. Review status: no assertion criteria provided. Collection method: clinical testing. Allele origin: germline.
Comment: The CLCN1 c.1100dupA variant is predicted to result in premature protein termination (p.Tyr367*). To our knowledge, this variant has not been reported in the literature or in gnomAD, indicating this variant is rare. Nonsense variants in CLCN1 are expected to be pathogenic. This variant is interpreted as likely pathogenic.

NM_000083.3(CLCN1):c.1100dup (p.Tyr367Ter)

Gene: CLCN1 (chloride voltage-gated channel 1; plus strand). Cytogenetic location: 7q34.
Variant type: Duplication.
Coding change: c.1100dup on transcript NM_000083.3 (MANE Select); coding-DNA position 1100, one base duplicated (A; older notation c.1100dupA).
Protein change: p.Tyr367Ter; replaces tyrosine 367 with a stop codon.
Molecular consequence: nonsense. On other transcripts: non-coding transcript variant (1).
Genome position (GRCh38, 1-based): chr7:143,331,586, A duplicated. VCF-style (leftmost placement, unchanged base first): chr7-143331585-T-TA. GRCh37 (hg19) VCF-style: chr7-143028678-T-TA.
Other names: short protein forms Y367*.
Identifiers: ClinVar variation 3349931 (VCV003349931.1).